The following is an entry in ClinVar:

ClinVar aggregate classification (germline): Uncertain significance. Review status: criteria provided, multiple submitters, no conflicts (2 of 4 stars). 2 submissions from 2 submitters: Uncertain significance (2). Last evaluated 2026-01-12.

Allele frequency attached by ClinVar (database versions not stated): ExAC 0.00003; gnomAD exomes 0.00004; TOPMed 0.00005; gnomAD 0.00001.
gnomAD v4.1: 62 of 1,613,906 alleles (0.0038%); highest among the groups gnomAD compares: South Asian, 0.0066%; no homozygotes.

Submissions (2):

Labcorp Genetics (formerly Invitae), Labcorp
Classification: Uncertain significance. Last evaluated: 2026-01-12. Review status: criteria provided, single submitter. Criteria: Invitae Variant Classification Sherloc (09022015). Collection method: clinical testing. Allele origin: germline.
Comment: This sequence change replaces arginine, which is basic and polar, with glutamine, which is neutral and polar, at codon 696 of the GRM1 protein (p.Arg696Gln). This variant is present in population databases (rs746003735, gnomAD 0.01%). This variant has not been reported in the literature in individuals affected with GRM1-related conditions. ClinVar contains an entry for this variant (Variation ID: 995108). An algorithm developed to predict the effect of missense changes on protein structure and function (PolyPhen-2) suggests that this variant is likely to be disruptive. In summary, the available evidence is currently insufficient to determine the role of this variant in disease. Therefore, it has been classified as a Variant of Uncertain Significance.

Athena Diagnostics
Classification: Uncertain significance. Last evaluated: 2020-08-14. Review status: criteria provided, single submitter. Criteria: Athena Diagnostics Criteria. Collection method: clinical testing. Allele origin: unknown.

NM_001278064.2(GRM1):c.2087G>A (p.Arg696Gln)

Gene: GRM1 (glutamate metabotropic receptor 1; plus strand). Cytogenetic location: 6q24.3.
Variant type: single nucleotide variant.
Coding change: c.2087G>A on transcript NM_001278064.2 (MANE Select); coding-DNA position 2087, G replaced by A.
Protein change: p.Arg696Gln; replaces arginine 696 with glutamine.
Molecular consequence: missense variant.
Genome position (GRCh38, 1-based): chr6:146,399,126, G>A. VCF-style: chr6-146399126-G-A. GRCh37 (hg19) VCF-style: chr6-146720262-G-A.
Other names: c.2087G>A, p.Arg696Gln (NM_001278065.2, NM_001278066.1, NM_001278067.1); short protein forms R696Q.
Identifiers: ClinVar variation 995108 (VCV000995108.3), dbSNP rs746003735, ClinGen allele CA4037415.
Genomic context (GRCh38, chr6:146,399,126, plus strand): 5'-TGACTAAAACCAATCGTATTGCACGCATCCTGGCTGGCAGCAAGAAGAAGATCTGCACCC[G>A]GAAGCCCAGGTTCATGAGTGCCTGGGCTCAGGTGATCATTGCCTCAATTCTGATTAGTGT-3'
Protein context (NP_001264993.1, residues 686-706): LAGSKKKICT[Arg696Gln]KPRFMSAWAQ